The following is an entry in ClinVar:

NM_000138.5(FBN1):c.4211A>G (p.Asp1404Gly)

Genes: FBN1 (fibrillin 1; minus strand), LOC126862124 (CDK7 strongly-dependent group 2 enhancer GRCh37_chr15:48764566-48765765; plus strand). Cytogenetic location: 15q21.1.
Variant type: single nucleotide variant.
Coding change: c.4211A>G on transcript NM_000138.5 (MANE Select); coding-DNA position 4211, A replaced by G.
Protein change: p.Asp1404Gly; replaces aspartic acid 1404 with glycine.
Molecular consequence: missense variant.
Genome position (GRCh38, 1-based): chr15:48,472,676, T>C on the plus strand (A>G on the coding strand, the complement: FBN1 is on the minus strand). VCF-style: chr15-48472676-T-C. GRCh37 (hg19) VCF-style: chr15-48764873-T-C.
Other names: c.4211A>G, p.Asp1404Gly (NM_001406716.1); short protein forms D1404G.
Identifiers: ClinVar variation 2498341 (VCV002498341.1), dbSNP rs2505513777, ClinGen allele CA392318172.
Genomic context (GRCh38, chr15:48,472,676, plus strand): 5'-GGTGCATTGAGGCACTGGCCATTGCCACAGAGATTCAGGTTCTCAGAGCACTCATCAAGG[T>C]CTACAGCCAGAAAGAAACACACGTTACTCTTCCTCGGTTAGGGGCTTTCTAATTCCTCAG-3'
Protein context (NP_000129.3, residues 1394-1414): GYTGDGFTCT[Asp1404Gly]LDECSENLNL

ClinVar aggregate classification (germline): Likely pathogenic (0 of 4 stars; one submission).

Conditions:
Marfan syndrome (MFS). Also called: MARFAN SYNDROME, TYPE I; FBN1-Related Marfan Syndrome; Marfan syndrome type 1; Marfan's syndrome; Marfan syndrome, classic. Identifiers: Orphanet 284963, Orphanet 558, MedGen C0024796, MONDO:0007947, OMIM 154700.

Submission:

deCODE genetics, Amgen
Classification: Likely pathogenic for Marfan syndrome. Last evaluated: 2023-04-10. Review status: no assertion criteria provided. Collection method: case-control. Allele origin: germline. Affected: yes. Observed: 2 variant alleles.
Comment: The p.(Asp1404Gly) variant was identified in two family members diagnosed with Marfan syndrome. Applied ACMG criteria: PM2, PP1, PP2, PP4, PP5

Literature cited by the submitters: PubMed 37684520.